The following is an entry in ClinVar:

ClinVar aggregate classification (germline): Uncertain significance (1 of 4 stars; one submission).

Conditions:
EGFR-related lung cancer (EGFR). Identifiers: MedGen CN130014.

Submission:

Labcorp Genetics (formerly Invitae), Labcorp
Classification: Uncertain significance for EGFR-related lung cancer. Last evaluated: 2023-10-22. Review status: criteria provided, single submitter. Criteria: Invitae Variant Classification Sherloc (09022015). Collection method: clinical testing. Allele origin: germline.
Comment: This sequence change affects a donor splice site in intron 27 of the EGFR gene. While this variant is not anticipated to result in nonsense mediated decay, it likely alters RNA splicing and results in a disrupted protein product. This variant is not present in population databases (gnomAD no frequency). This variant has not been reported in the literature in individuals affected with EGFR-related conditions. Variants that disrupt the consensus splice site are a relatively common cause of aberrant splicing (PMID: 17576681, 9536098). Algorithms developed to predict the effect of sequence changes on RNA splicing suggest that this variant may disrupt the consensus splice site. In summary, the available evidence is currently insufficient to determine the role of this variant in disease. Therefore, it has been classified as a Variant of Uncertain Significance.

Literature cited by the submitters: PubMed 17576681; PubMed 9536098.

NM_005228.5(EGFR):c.3271+1G>A

Gene: EGFR (epidermal growth factor receptor; plus strand). Cytogenetic location: 7p11.2.
Variant type: single nucleotide variant.
Coding change: c.3271+1G>A on transcript NM_005228.5 (MANE Select); the canonical splice donor site of the intron after coding-DNA position 3271, G replaced by A.
Molecular consequence: splice donor variant. On other transcripts: missense variant (2).
Genome position (GRCh38, 1-based): chr7:55,202,626, G>A. VCF-style: chr7-55202626-G-A. GRCh37 (hg19) VCF-style: chr7-55270319-G-A.
Other names: c.3137G>A, p.Gly1046Asp (NM_001346897.2); c.3272G>A, p.Gly1091Asp (NM_001346898.2); c.3136+1G>A (NM_001346899.2); c.2470+1G>A (NM_001346941.2); c.3112+1G>A (NM_001346900.2); short protein forms G1046D, G1091D.
Identifiers: ClinVar variation 2770545 (VCV002770545.3), dbSNP rs2128973196, ClinGen allele CA367583597.